The following is an entry in ClinVar:

ClinVar aggregate classification (germline): Likely benign (1 of 4 stars; one submission).

Conditions:
CEP164-related disorder. Also called: CEP164-related condition.

gnomAD v4.1: 1 of 1,613,832 alleles (0.000062%); highest among the groups gnomAD compares: African/African-American, 0.0013%; no homozygotes.

Submission:

PreventionGenetics, part of Exact Sciences
Classification: Likely benign for CEP164-related condition. Last evaluated: 2024-12-18. Review status: criteria provided, single submitter. Criteria: ACMG Guidelines, 2015. Collection method: clinical testing. Allele origin: germline.
Comment: This variant is classified as likely benign based on ACMG/AMP sequence variant interpretation guidelines (Richards et al. 2015 PMID: 25741868, with internal and published modifications).

NM_014956.5(CEP164):c.1746T>A (p.Ala582=)

Gene: CEP164 (centrosomal protein 164; plus strand). Cytogenetic location: 11q23.3.
Variant type: single nucleotide variant.
Coding change: c.1746T>A on transcript NM_014956.5 (MANE Select); coding-DNA position 1746, T replaced by A.
Protein change: p.Ala582=; no amino-acid change (alanine 582 retained).
Molecular consequence: synonymous variant. On other transcripts: intron variant (6).
Genome position (GRCh38, 1-based): chr11:117,387,224, T>A. VCF-style: chr11-117387224-T-A. GRCh37 (hg19) VCF-style: chr11-117257940-T-A.
Other names: c.1755T>A, p.Ala585= (NM_001271933.2, NM_001440949.1); c.1746T>A, p.Ala582= (NM_001440950.1, NM_001440951.1, NM_001440953.1); c.1581T>A, p.Ala527= (NM_001440952.1, NM_001440968.1, NM_001440969.1); c.1668T>A, p.Ala556= (NM_001440954.1, NM_001440955.1, NM_001440958.1 and 1 more transcripts); c.1659T>A, p.Ala553= (NM_001440956.1, NM_001440957.1); c.1617T>A, p.Ala539= (NM_001440960.1); c.1608T>A, p.Ala536= (NM_001440961.1, NM_001440967.1); c.1599T>A, p.Ala533= (NM_001440962.1, NM_001440963.1, NM_001440964.1 and 4 more transcripts); and 7 more.
Identifiers: ClinVar variation 5002370 (VCV005002370.1).